The following is an entry in ClinVar:

NM_001165963.4(SCN1A):c.3280A>G (p.Lys1094Glu)

Genes: SCN1A (sodium voltage-gated channel alpha subunit 1; minus strand), LOC102724058 (uncharacterized LOC102724058; plus strand). Cytogenetic location: 2q24.3.
Variant type: single nucleotide variant.
Coding change: c.3280A>G on transcript NM_001165963.4 (MANE Select); coding-DNA position 3280, A replaced by G.
Protein change: p.Lys1094Glu; replaces lysine 1094 with glutamic acid.
Molecular consequence: missense variant. On other transcripts: non-coding transcript variant (2).
Genome position (GRCh38, 1-based): chr2:166,036,197, T>C on the plus strand (A>G on the coding strand, the complement: SCN1A is on the minus strand). VCF-style: chr2-166036197-T-C. GRCh37 (hg19) VCF-style: chr2-166892707-T-C.
Other names: c.3196A>G, p.Lys1066Glu (NM_001165964.3, NM_001353957.2, NM_001353958.2); c.3280A>G, p.Lys1094Glu (NM_001202435.3, NM_001353948.2); c.3247A>G, p.Lys1083Glu (NM_001353949.2, NM_001353950.2, NM_001353951.2 and 2 more transcripts); c.3244A>G, p.Lys1082Glu (NM_001353954.2, NM_001353955.2); c.3193A>G, p.Lys1065Glu (NM_001353960.2); c.838A>G, p.Lys280Glu (NM_001353961.2); short protein forms K1066E, K280E, K1065E, K1083E, K1094E, K1082E.
Identifiers: ClinVar variation 2750407 (VCV002750407.3), dbSNP rs1553540221, ClinGen allele CA349059410.

ClinVar aggregate classification (germline): Uncertain significance (1 of 4 stars; one submission).

Conditions:
Early-infantile DEE. Also called: Ohtahara syndrome; Early infantile epileptic encephalopathy; Early infantile epileptic encephalopathy with suppression bursts. Identifiers: Orphanet 1934, MedGen C0393706, MONDO:0800491.

Submission:

Labcorp Genetics (formerly Invitae), Labcorp
Classification: Uncertain significance for Early-infantile DEE. Last evaluated: 2025-04-10. Review status: criteria provided, single submitter. Criteria: Invitae Variant Classification Sherloc (09022015). Collection method: clinical testing. Allele origin: germline.
Comment: This sequence change replaces lysine, which is basic and polar, with glutamic acid, which is acidic and polar, at codon 1094 of the SCN1A protein (p.Lys1094Glu). This variant is not present in population databases (gnomAD no frequency). This variant has not been reported in the literature in individuals affected with SCN1A-related conditions. ClinVar contains an entry for this variant (Variation ID: 2750407). Invitae Evidence Modeling of protein sequence and biophysical properties (such as structural, functional, and spatial information, amino acid conservation, physicochemical variation, residue mobility, and thermodynamic stability) has been performed for this missense variant. However, the output from this modeling did not meet the statistical confidence thresholds required to predict the impact of this variant on SCN1A protein function. In summary, the available evidence is currently insufficient to determine the role of this variant in disease. Therefore, it has been classified as a Variant of Uncertain Significance.